The following is an entry in ClinVar:

ClinVar aggregate classification (germline): Pathogenic/Likely pathogenic. Review status: criteria provided, multiple submitters, no conflicts (2 of 4 stars). 6 submissions from 6 submitters: Pathogenic (5); Likely pathogenic (1). Last evaluated 2024-02-08.

Conditions:
Von Hippel-Lindau syndrome (VHLS). Also called: von Hippel–Lindau syndrome; Von Hippel-Lindau; VHL syndrome. Identifiers: Orphanet 892, MedGen C0019562, MONDO:0008667, OMIM 193300. Disease mechanism: loss of function.
Chuvash polycythemia. Also called: POLYCYTHEMIA, VHL-DEPENDENT. Identifiers: Orphanet 238557, MedGen C1837915, MONDO:0009892, OMIM 263400.
Hereditary cancer-predisposing syndrome. Also called: Hereditary neoplastic syndrome; Tumor predisposition; Neoplastic Syndromes, Hereditary; Hereditary Cancer Syndrome. Identifiers: Orphanet 140162, MedGen C0027672, MeSH D009386, MONDO:0015356.

Allele frequency attached by ClinVar (database versions not stated): gnomAD exomes below 0.00001.

Submissions (6):

All of Us Research Program, National Institutes of Health
Classification: Pathogenic for Von Hippel-Lindau syndrome. Last evaluated: 2024-02-08. Review status: criteria provided, single submitter. Criteria: ACMG Guidelines, 2015. Collection method: clinical testing. Allele origin: germline. Inheritance: Autosomal dominant inheritance. Observed: 1 variant allele, 1 heterozygote.
Comment: The c.533T>C (p.Leu178Pro) variant in the VHL gene is located on the exon 3 and is predicted to replace leucine with proline at codon 178 (p.Leu178Pro). The variant has been reported in multiple unrelated individuals with von Hippel-Lindau disease and/or pheochromocytoma and segregate with disease (PMID: 31383958, 25867206, 19464396, 8956040, 9452106). An alternative variant disrupting the same amino acid (p.Leu178Arg) has been reported in individuals with Von Hippel-Lindau disease and interpreted as pathogenic (ClinVar ID: 625261). The variant is reported in ClinVar (ID: 428795). The variant is absent in the general population database (gnomAD). Computational prediction algorithms suggest a deleterious impact for this variant (REVEL score 0.951). Therefore, the c.533T>C (p.Leu178Pro) variant of VHL has been classified as pathogenic.

This study involves interpretation of variants in research participants for the purpose of population health screening. Participant phenotype was not available at the time of variant classification. Additional details can be found in publication PMID: 35346344, PMCID: PMC8962531

GeneDx
Classification: Likely pathogenic. Last evaluated: 2024-01-26. Review status: criteria provided, single submitter. Criteria: GeneDx Variant Classification Process June 2021. Collection method: clinical testing. Allele origin: germline. Affected: yes.
Comment: Not observed at significant frequency in large population cohorts (gnomAD); In silico analysis supports that this missense variant has a deleterious effect on protein structure/function; This variant is associated with the following publications: (PMID: 8634692, 12114495, 7987306, 33415482, 25563310, 18836774, 11058902, 19009041, 19763184, 29748190, 36316043, 35466127, 27527340, 16314641, 14722919, 8956040, 7728151, 10567493, 8707293, 17024664, 7553625, 10408776, 25867206, 19464396, 10761708, 21972040)

Human Genome Sequencing Center Clinical Lab, Baylor College of Medicine
Classification: Pathogenic for Von Hippel-Lindau syndrome. Last evaluated: 2024-01-02. Review status: criteria provided, single submitter. Criteria: ACMG Guidelines, 2015. Collection method: clinical testing. Allele origin: unknown.
Comment: The c.533T>C (p.Leu178Pro) variant in the VHL gene is located on the exon 3 and is predicted to replace leucine with proline at codon 178 (p.Leu178Pro). The variant has been reported in multiple unrelated individuals with von Hippel‚ÄìLindau disease and/or pheochromocytoma and segregate with disease (PMID: 31383958, 25867206, 19464396, 8956040, 9452106). An alternative variant disrupting the same amino acid (p.Leu178Arg) has been reported in individuals with Von Hippel-Lindau disease and interpreted as pathogenic (ClinVar ID: 625261). The variant is reported in ClinVar (ID: 428795). The variant is absent in the general population database (gnomAD). Computational prediction algorithms suggest a deleterious impact for this variant (REVEL score 0.951). Therefore, the c.533T>C (p.Leu178Pro) variant of VHL has been classified as pathogenic.

Ambry Genetics
Classification: Pathogenic for Hereditary cancer-predisposing syndrome. Last evaluated: 2022-08-29. Review status: criteria provided, single submitter. Criteria: Ambry Variant Classification Scheme 2023. Collection method: clinical testing. Allele origin: germline.
Comment: The p.L178P pathogenic mutation (also known as c.533T>C), located in coding exon 3 of the VHL gene, results from a T to C substitution at nucleotide position 533. The leucine at codon 178 is replaced by proline, an amino acid with some similar properties. This alteration has been reported in multiple individuals with personal and/or family history consistent with Von Hippel-Lindau syndrome (VHL) both with and without pheochromocytoma (Crossey PA et al. Hum. Mol. Genet. 1994 Aug3(8):1303-8; Erlic et al. Endocrine-Related Cancer. 2010. 17;875-883; Gl&auml;sker S et al. J. Neurol. Neurosurg. Psychiatr. 1999 Dec;67(6):758-62; Ong KR et al. Hum. Mutat. 2007 Feb;28(2):143-9; Zbar B et al. Hum. Mutat. 1996;8(4):348-57; Krauss T et al. Endocr Relat Cancer, 2018 09;25:783-793; Bausch B et al. Head Neck, 2016 04;38 Suppl 1:E673-9; Ciotti P et al. Eur J Med Genet May;52:311-4; Ambry internal data). This alteration has also been reported in individuals with personal history of pheochromocytoma or functional paraganglioma but without a formal diagnosis of VHL syndrome (Amar L et al. J. Clin. Oncol. 2005 Dec;23(34):8812-8). In the literature, this alteration has also been referred to as a common VHL germline mutation (Cybulski C et al. J. Med. Genet. 2002 Jul;39(7):E38; L&oacute;pez-Guerrero JA et al. Adv Urol 2008:720840). Of note, this alteration is also designated as 746T>C in some published literature. This amino acid position is highly conserved in available vertebrate species. In addition, this alteration is predicted to be deleterious by in silico analysis. Based on the supporting evidence, this alteration is interpreted as a disease-causing mutation.

Labcorp Genetics (formerly Invitae), Labcorp
Classification: Pathogenic for Von Hippel-Lindau syndrome; Chuvash polycythemia. Last evaluated: 2022-06-25. Review status: criteria provided, single submitter. Criteria: Invitae Variant Classification Sherloc (09022015). Collection method: clinical testing. Allele origin: germline.
Comment: For these reasons, this variant has been classified as Pathogenic. This sequence change replaces leucine, which is neutral and non-polar, with proline, which is neutral and non-polar, at codon 178 of the VHL protein (p.Leu178Pro). This variant is not present in population databases (gnomAD no frequency). This missense change has been observed in individuals with von Hippel-Lindau disease (PMID: 17024664, 19464396, 19763184, 27527340). It has also been observed to segregate with disease in related individuals. This variant is also known as 746T>C (p.L249P). ClinVar contains an entry for this variant (Variation ID: 428795). Advanced modeling of protein sequence and biophysical properties (such as structural, functional, and spatial information, amino acid conservation, physicochemical variation, residue mobility, and thermodynamic stability) performed at Invitae indicates that this missense variant is expected to disrupt VHL protein function.

Genomic Diagnostic Laboratory, Division of Genomic Diagnostics, Children's Hospital of Philadelphia
Classification: Pathogenic for von Hippel-Lindau syndrome. Last evaluated: 2018-08-01. Review status: criteria provided, single submitter. Criteria: DGD Variant Analysis Guidelines. Collection method: clinical testing. Allele origin: germline. Affected: yes. Observed: 1 variant allele.

Literature cited by the submitters: PubMed 8956040 (cited by All of Us Research Program, National Institutes of Health and Ambry Genetics); PubMed 9452106 (cited by All of Us Research Program, National Institutes of Health); PubMed 19464396 (cited by 3 submitters); PubMed 25867206 (cited by All of Us Research Program, National Institutes of Health and Ambry Genetics); PubMed 31383958 (cited by All of Us Research Program, National Institutes of Health); PubMed 10567493 (cited by Ambry Genetics); PubMed 12114495 (cited by Ambry Genetics); PubMed 16314641 (cited by Ambry Genetics); PubMed 17024664 (cited by Ambry Genetics and Labcorp Genetics (formerly Invitae), Labcorp); PubMed 18836774 (cited by Ambry Genetics); PubMed 19009041 (cited by Ambry Genetics); PubMed 19408298 (cited by Ambry Genetics); PubMed 29748190 (cited by Ambry Genetics); PubMed 7987306 (cited by Ambry Genetics); PubMed 8707293 (cited by Ambry Genetics); PubMed 19763184 (cited by Labcorp Genetics (formerly Invitae), Labcorp); PubMed 27527340 (cited by Labcorp Genetics (formerly Invitae), Labcorp).

NM_000551.4(VHL):c.533T>C (p.Leu178Pro)

Genes: VHL (von Hippel-Lindau tumor suppressor; plus strand), LOC107303340 (3p25 von Hippel-Lindau tumor suppressor, E3 ubiquitin protein ligase Alu-mediated recombination region; plus strand). Cytogenetic location: 3p25.3.
Variant type: single nucleotide variant.
Coding change: c.533T>C on transcript NM_000551.4 (MANE Select); coding-DNA position 533, T replaced by C.
Protein change: p.Leu178Pro; replaces leucine 178 with proline.
Molecular consequence: missense variant. On other transcripts: 3 prime UTR variant (1).
Genome position (GRCh38, 1-based): chr3:10,149,856, T>C. VCF-style: chr3-10149856-T-C. GRCh37 (hg19) VCF-style: chr3-10191540-T-C.
Other names: c.*87T>C (NM_001354723.2); c.410T>C, p.Leu137Pro (NM_198156.3); short protein forms L178P, L137P.
Identifiers: ClinVar variation 428795 (VCV000428795.17), dbSNP rs5030822, ClinGen allele CA351756245.
Genomic context (GRCh38, chr3:10,149,856, plus strand): 5'-TGAAAGAGCGATGCCTCCAGGTTGTCCGGAGCCTAGTCAAGCCTGAGAATTACAGGAGAC[T>C]GGACATCGTCAGGTCGCTCTACGAAGATCTGGAAGACCACCCAAATGTGCAGAAAGACCT-3'
Protein context (NP_000542.1, residues 168-188): SLVKPENYRR[Leu178Pro]DIVRSLYEDL